The following is an entry in ClinVar:

NM_003072.5(SMARCA4):c.1778_1780del (p.Glu593del)

Gene: SMARCA4 (SWI/SNF related BAF chromatin remodeling complex subunit ATPase 4; plus strand). Cytogenetic location: 19p13.2.
Variant type: Deletion.
Coding change: c.1778_1780del on transcript NM_003072.5 (MANE Select); coding-DNA positions 1778 to 1780, 3 bases deleted (AAG; older notation c.1778_1780delAAG).
Protein change: p.Glu593del; deletes glutamic acid 593.
Molecular consequence: inframe deletion. On other transcripts: non-coding transcript variant (1).
Genome position (GRCh38, 1-based): chr19:10,996,510-10,996,512, AAG deleted; deleting any 3 consecutive bases within chr19:10,996,508-10,996,512 gives the same sequence; the c. name uses the placement nearest the transcript's 3' end. VCF-style (leftmost placement, unchanged base first): chr19-10996507-CAGA-C. GRCh37 (hg19) VCF-style: chr19-11107183-CAGA-C.
Other names: c.1778_1780del (NM_001128849.1); c.1778_1780del, p.Glu593del (NM_001128844.3, NM_001128845.2, NM_001128846.2 and 5 more transcripts); short protein forms E593del.
Identifiers: ClinVar variation 576752 (VCV000576752.18), dbSNP rs1484395538, ClinGen allele CA632115144.
Genomic context (GRCh38, chr19:10,996,507, plus strand): 5'-CTCAGCCTTGTGGGTCAGGGCCTGACCGTGTCTCTCTCTATTTCCAGAAGGCAGAAAATG[CAGA>C]AGGACAGACGCCTGCCATTGGGCCGGATGGCGAGGTGAGGAAGCAGGGTTTCTTGTGGAA-3'

ClinVar aggregate classification (germline): Uncertain significance. Review status: criteria provided, multiple submitters, no conflicts (2 of 4 stars). 5 submissions from 5 submitters: Uncertain significance (5). Last evaluated 2026-01-13.

Conditions:
Intellectual disability, autosomal dominant 16 (CSS4). Also called: COFFIN-SIRIS SYNDROME 4. Identifiers: Orphanet 1465, MedGen C3553249, MONDO:0013821, OMIM 614609.
Rhabdoid tumor predisposition syndrome 2 (RTPS2). Identifiers: Orphanet 231108, Orphanet 69077, MedGen C2750074, MONDO:0013224, OMIM 613325.
Hereditary cancer-predisposing syndrome. Also called: Tumor predisposition; Hereditary neoplastic syndrome; Hereditary Cancer Syndrome; Neoplastic Syndromes, Hereditary. Identifiers: Orphanet 140162, MedGen C0027672, MeSH D009386, MONDO:0015356.

Submissions (5):

Labcorp Genetics (formerly Invitae), Labcorp
Classification: Uncertain significance for Rhabdoid tumor predisposition syndrome 2. Last evaluated: 2026-01-13. Review status: criteria provided, single submitter. Criteria: Invitae Variant Classification Sherloc (09022015). Collection method: clinical testing. Allele origin: germline.
Comment: This variant, c.1778_1780del, results in the deletion of 1 amino acid(s) of the SMARCA4 protein (p.Glu593del), but otherwise preserves the integrity of the reading frame. This variant is present in population databases (no rsID available, gnomAD 0.01%). This variant has not been reported in the literature in individuals affected with SMARCA4-related conditions. ClinVar contains an entry for this variant (Variation ID: 576752). Experimental studies and prediction algorithms are not available or were not evaluated, and the functional significance of this variant is currently unknown. In summary, the available evidence is currently insufficient to determine the role of this variant in disease. Therefore, it has been classified as a Variant of Uncertain Significance.

Ambry Genetics
Classification: Uncertain significance for Hereditary cancer-predisposing syndrome. Last evaluated: 2025-07-14. Review status: criteria provided, single submitter. Criteria: Ambry Variant Classification Scheme 2023. Collection method: clinical testing. Allele origin: germline.
Comment: The c.1778_1780delAAG variant (also known as p.E593del) is located in coding exon 10 of the SMARCA4 gene. This variant results from an in-frame AAG deletion at nucleotide positions 1778 to 1780. This results in the deletion of a glutamic acid at codon 593. This variant has been detected in multiple individuals with no reported features of Coffin-Siris syndrome (Ambry internal data). This amino acid position is highly conserved in available vertebrate species. In addition, the in silico prediction for this alteration is inconclusive (Choi Y et al. PLoS ONE. 2012; 7(10):e46688). Based on the supporting evidence, the association of this alteration with rhabdoid tumor predisposition syndrome is unknown; however, the association of this alteration with Coffin-Siris syndrome is unlikely.

Baylor Genetics
Classification: Uncertain significance for Rhabdoid tumor predisposition syndrome 2. Last evaluated: 2023-08-13. Review status: criteria provided, single submitter. Criteria: ACMG Guidelines, 2015. Collection method: clinical testing. Allele origin: unknown.

GeneDx
Classification: Uncertain significance. Last evaluated: 2023-07-26. Review status: criteria provided, single submitter. Criteria: GeneDx Variant Classification Process June 2021. Collection method: clinical testing. Allele origin: germline. Affected: yes.
Comment: Reported in an individual with schizophrenia in published literature (Lo et al., 2022); In-frame deletion of 1 amino acids in a non-repeat region; In silico analysis supports a deleterious effect on protein structure/function; This variant is associated with the following publications: (PMID: 35699097, 29338072)

Genome-Nilou Lab
Classification: Uncertain significance for Intellectual disability, autosomal dominant 16. Last evaluated: 2021-07-15. Review status: criteria provided, single submitter. Criteria: ACMG Guidelines, 2015. Collection method: clinical testing. Allele origin: germline. Affected: no.